The following is an entry in ClinVar:

ClinVar aggregate classification (germline): Uncertain significance. Review status: criteria provided, multiple submitters, no conflicts (2 of 4 stars). 2 submissions from 2 submitters: Uncertain significance (2). Last evaluated 2026-01-06.

Allele frequency attached by ClinVar (database versions not stated): gnomAD 0.00001; gnomAD exomes 0.00002 and 0.00005; TOPMed 0.00002; ExAC 0.00006; ESP Exome Variant Server 0.00008.
gnomAD v4.1: 37 of 1,614,222 alleles (0.0023%); highest among the groups gnomAD compares: Admixed American, 0.017%; no homozygotes.

Submissions (2):

Labcorp Genetics (formerly Invitae), Labcorp
Classification: Uncertain significance. Last evaluated: 2026-01-06. Review status: criteria provided, single submitter. Criteria: Invitae Variant Classification Sherloc (09022015). Collection method: clinical testing. Allele origin: germline.
Comment: This sequence change replaces methionine, which is neutral and non-polar, with isoleucine, which is neutral and non-polar, at codon 494 of the ARHGEF1 protein (p.Met494Ile). This variant is present in population databases (rs146077930, gnomAD 0.03%). This variant has not been reported in the literature in individuals affected with ARHGEF1-related conditions. ClinVar contains an entry for this variant (Variation ID: 1508272). An algorithm developed to predict the effect of missense changes on protein structure and function (PolyPhen-2) suggests that this variant is likely to be tolerated. In summary, the available evidence is currently insufficient to determine the role of this variant in disease. Therefore, it has been classified as a Variant of Uncertain Significance.

Ambry Genetics
Classification: Uncertain significance. Last evaluated: 2025-02-18. Review status: criteria provided, single submitter. Criteria: Ambry Variant Classification Scheme 2023. Collection method: clinical testing. Allele origin: germline.

NM_004706.4(ARHGEF1):c.1437G>A (p.Met479Ile)

Gene: ARHGEF1 (Rho guanine nucleotide exchange factor 1; plus strand). Cytogenetic location: 19q13.2.
Variant type: single nucleotide variant.
Coding change: c.1437G>A on transcript NM_004706.4 (MANE Select); coding-DNA position 1437, G replaced by A.
Protein change: p.Met479Ile; replaces methionine 479 with isoleucine.
Molecular consequence: missense variant.
Genome position (GRCh38, 1-based): chr19:41,902,296, G>A. VCF-style: chr19-41902296-G-A. GRCh37 (hg19) VCF-style: chr19-42406446-G-A.
Other names: c.1338G>A, p.Met446Ile (NM_198977.2); c.1482G>A, p.Met494Ile (NM_199002.2); c.1482G>A (NM_199002.1); short protein forms M479I, M494I, M446I.
Identifiers: ClinVar variation 1508272 (VCV001508272.7), dbSNP rs146077930, ClinGen allele CA9466375.